The following is an entry in ClinVar:

ClinVar aggregate classification (germline): Pathogenic. Review status: criteria provided, single submitter (1 of 4 stars). 2 submissions from 2 submitters: Pathogenic (1). 1 of the submissions does not count toward it. Last evaluated 2023-07-31.

Conditions:
Diabetes insipidus, nephrogenic, X-linked. Also called: Nephrogenic Diabetes Insipidus, Type I. Identifiers: Orphanet 223, MedGen C1563705, MONDO:0010581, OMIM 304800.
AVPR2-related disorder. Also called: AVPR2-related condition.

Submissions (2):

PreventionGenetics, part of Exact Sciences
Classification: Pathogenic for AVPR2-related condition. Last evaluated: 2023-07-31. Review status: criteria provided, single submitter. Criteria: ACMG Guidelines, 2015. Collection method: clinical testing. Allele origin: germline.
Comment: The AVPR2 c.809_810delTG variant is predicted to result in a frameshift and premature protein termination (p.Val270Glufs*86). This variant was reported in an individual with syndromic short stature (Table S3 Fan et al 2021. PubMed ID: 34006472). This variant has not been reported in a large population database, indicating this variant is rare. Frameshift variants in AVPR2 are expected to be pathogenic. This variant is interpreted as pathogenic.

Beijing Key Laboratory for Genetic Research of Skeletal Deformity, Peking Union Medical College Hospital
Classification: Pathogenic for Diabetes insipidus, nephrogenic, X-linked. Last evaluated: 2019-05-31. Review status: no assertion criteria provided. Collection method: research. Allele origin: maternal. Affected: yes. Not counted in ClinVar's aggregate classification.

NM_000054.7(AVPR2):c.809_810del (p.Val270fs)

Gene: AVPR2 (arginine vasopressin receptor 2; plus strand). Cytogenetic location: Xq28.
Variant type: Microsatellite.
Coding change: c.809_810del on transcript NM_000054.7 (MANE Select); coding-DNA positions 809 to 810, 2 bases deleted (TG; older notation c.809_810delTG).
Protein change: p.Val270fs; shifts the reading frame from valine 270.
Molecular consequence: frameshift variant. On other transcripts: non-coding transcript variant (1).
Genome position (GRCh38, 1-based): chrX:153,906,315-153,906,316, TG deleted; deleting any 2 consecutive bases within chrX:153,906,313-153,906,316 gives the same sequence; the c. name uses the placement nearest the transcript's 3' end. VCF-style (leftmost placement, unchanged base first): chrX-153906312-CTG-C. GRCh37 (hg19) VCF-style: chrX-153171766-CTG-C.
Other names: c.809_810del, p.Val270fs (NM_001146151.3); c.809_810delTG (NM_000054.4); short protein forms V270fs.
Identifiers: ClinVar variation 998017 (VCV000998017.2), dbSNP rs2064966689, ClinGen allele CA2466520744.